The following is an entry in ClinVar:

ClinVar aggregate classification (germline): Uncertain significance. Review status: criteria provided, multiple submitters, no conflicts (2 of 4 stars). 2 submissions from 2 submitters: Uncertain significance (2). Last evaluated 2025-02-03.

Conditions:
Inborn genetic diseases. Identifiers: MedGen C0950123, MeSH D030342.

Allele frequency attached by ClinVar (database versions not stated): TOPMed 0.00001.
gnomAD v4.1: 7 of 1,614,206 alleles (0.00043%); highest among the groups gnomAD compares: Admixed American, 0.012%; no homozygotes.

Submissions (2):

Labcorp Genetics (formerly Invitae), Labcorp
Classification: Uncertain significance. Last evaluated: 2025-02-03. Review status: criteria provided, single submitter. Criteria: Invitae Variant Classification Sherloc (09022015). Collection method: clinical testing. Allele origin: germline.
Comment: This sequence change replaces methionine, which is neutral and non-polar, with isoleucine, which is neutral and non-polar, at codon 4329 of the ANK3 protein (p.Met4329Ile). This variant is present in population databases (rs763252744, gnomAD 0.02%). This variant has not been reported in the literature in individuals affected with ANK3-related conditions. ClinVar contains an entry for this variant (Variation ID: 3119739). Invitae Evidence Modeling of protein sequence and biophysical properties (such as structural, functional, and spatial information, amino acid conservation, physicochemical variation, residue mobility, and thermodynamic stability) indicates that this missense variant is not expected to disrupt ANK3 protein function with a negative predictive value of 80%. In summary, the available evidence is currently insufficient to determine the role of this variant in disease. Therefore, it has been classified as a Variant of Uncertain Significance.

Ambry Genetics
Classification: Uncertain significance for Inborn genetic diseases. Last evaluated: 2023-12-18. Review status: criteria provided, single submitter. Criteria: Ambry Variant Classification Scheme 2023. Collection method: clinical testing. Allele origin: germline.

NM_020987.5(ANK3):c.12987G>A (p.Met4329Ile)

Gene: ANK3 (ankyrin 3; minus strand). Cytogenetic location: 10q21.2.
Variant type: single nucleotide variant.
Coding change: c.12987G>A on transcript NM_020987.5 (MANE Select); coding-DNA position 12987, G replaced by A.
Protein change: p.Met4329Ile; replaces methionine 4329 with isoleucine.
Molecular consequence: missense variant.
Genome position (GRCh38, 1-based): chr10:60,055,736, C>T on the plus strand (G>A on the coding strand, the complement: ANK3 is on the minus strand). VCF-style: chr10-60055736-C-T. GRCh37 (hg19) VCF-style: chr10-61815494-C-T.
Other names: c.2859G>A, p.Met953Ile (NM_001149.4); c.5439G>A, p.Met1813Ile (NM_001204403.2); c.5460G>A, p.Met1820Ile (NM_001204404.2); c.5457G>A, p.Met1819Ile (NM_001320874.2); short protein forms M953I, M1813I, M4329I, M1819I, M1820I.
Identifiers: ClinVar variation 3119739 (VCV003119739.3), dbSNP rs763252744, ClinGen allele CA5510694.
Genomic context (GRCh38, chr10:60,055,736, plus strand): 5'-GGACCCCTCTTCTTCATGGAGGCTAAGCCTTGGCTTGCCATCTGCTGGAGAAGTCCTACT[C>T]ATCTTTTTCATACTGACAGGCACACAGGGTTTAGTCTCTTCTATTATAAGCTTGCTGGTT-3'
Protein context (NP_066267.2, residues 4319-4339): KPCVPVSMKK[Met4329Ile]SRTSPADGKP